The following is an entry in ClinVar:

NM_006204.4(PDE6C):c.2424C>G (p.Asn808Lys)

Gene: PDE6C (phosphodiesterase 6C; plus strand). Cytogenetic location: 10q23.33.
Variant type: single nucleotide variant.
Coding change: c.2424C>G on transcript NM_006204.4 (MANE Select); coding-DNA position 2424, C replaced by G.
Protein change: p.Asn808Lys; replaces asparagine 808 with lysine.
Molecular consequence: missense variant.
Genome position (GRCh38, 1-based): chr10:93,663,084, C>G. VCF-style: chr10-93663084-C-G. GRCh37 (hg19) VCF-style: chr10-95422841-C-G.
Other names: short protein forms N808K.
Identifiers: ClinVar variation 1333333 (VCV001333333.2), dbSNP rs912743767, ClinGen allele CA211554235.

ClinVar aggregate classification (germline): Uncertain significance. Review status: criteria provided, multiple submitters, no conflicts (2 of 4 stars). 2 submissions from 2 submitters: Uncertain significance (2). Last evaluated 2022-01-03.

Conditions:
Cone dystrophy 4 (COD4). Identifiers: Orphanet 49382, MedGen C2751308, MONDO:0013129, OMIM 613093.

Submissions (2):

3billion
Classification: Uncertain significance for Cone dystrophy 4. Last evaluated: 2022-01-03. Review status: criteria provided, single submitter. Criteria: ACMG Guidelines, 2015. Collection method: clinical testing. Allele origin: germline. Affected: yes. Observed: 1 homozygote.
Comment: The variant not observed in the gnomAD v2.1.1 dataset (PM2_M). In silico tool predictions suggest damaging effect of the variant on gene or gene product (REVEL: 0.831, PP3_P). Therefore, this variant is classified as uncertain significance according to the recommendation of ACMG/AMP guideline.

Breakthrough Genomics
Classification: Uncertain significance. Review status: criteria provided, single submitter. Criteria: ACMG Guidelines, 2015. Collection method: not provided. Allele origin: germline. Inheritance: Autosomal recessive inheritance. Affected: yes.